The following is an entry in ClinVar:

NM_001127222.2(CACNA1A):c.6629A>G (p.His2210Arg)

Gene: CACNA1A (calcium voltage-gated channel subunit alpha1 A; minus strand). Cytogenetic location: 19p13.13.
Variant type: single nucleotide variant.
Coding change: c.6629A>G on transcript NM_001127222.2 (MANE Select); coding-DNA position 6629, A replaced by G.
Protein change: p.His2210Arg; replaces histidine 2210 with arginine.
Molecular consequence: missense variant.
Genome position (GRCh38, 1-based): chr19:13,208,907, T>C on the plus strand (A>G on the coding strand, the complement: CACNA1A is on the minus strand). VCF-style: chr19-13208907-T-C. GRCh37 (hg19) VCF-style: chr19-13319721-T-C.
Other names: c.6647A>G, p.His2216Arg (NM_000068.4, NM_023035.3); c.6632A>G, p.His2211Arg (NM_001127221.2); c.6638A>G, p.His2213Arg (NM_001174080.2); short protein forms H2210R, H2211R, H2213R, H2216R.
Identifiers: ClinVar variation 1053907 (VCV001053907.15), dbSNP rs1002423867, ClinGen allele CA305547616.

ClinVar aggregate classification (germline): Uncertain significance. Review status: criteria provided, multiple submitters, no conflicts (2 of 4 stars). 2 submissions from 2 submitters: Uncertain significance (2). Last evaluated 2024-10-22.

Conditions:
Developmental and epileptic encephalopathy, 42 (DEE42A). Also called: DEVELOPMENTAL AND EPILEPTIC ENCEPHALOPATHY 42A; EPILEPTIC ENCEPHALOPATHY, EARLY INFANTILE, 42A; Epileptic encephalopathy, early infantile, 42. Identifiers: MedGen C4310716, MONDO:0014917, OMIM 617106.
Episodic ataxia type 2 (EA2). Also called: EPISODIC ATAXIA, NYSTAGMUS-ASSOCIATED; ACETAZOLAMIDE-RESPONSIVE HEREDITARY PAROXYSMAL CEREBELLAR ATAXIA; ATAXIA, EPISODIC, WITH NYSTAGMUS; ATAXIA, FAMILIAL PAROXYSMAL; CEREBELLAR ATAXIA, PAROXYSMAL, ACETAZOLAMIDE-RESPONSIVE; CEREBELLOPATHY, HEREDITARY PAROXYSMAL. Identifiers: Orphanet 97, MedGen C1720416, MONDO:0007163, OMIM 108500.

Allele frequency attached by ClinVar (database versions not stated): gnomAD 0.00001; gnomAD exomes below 0.00001; TOPMed 0.00001.
gnomAD v4.1: 3 of 1,536,316 alleles (0.0002%); highest among the groups gnomAD compares: African/African-American, 0.0027%; no homozygotes.

Submissions (2):

Labcorp Genetics (formerly Invitae), Labcorp
Classification: Uncertain significance for Developmental and epileptic encephalopathy, 42; Episodic ataxia type 2. Last evaluated: 2024-10-22. Review status: criteria provided, single submitter. Criteria: Invitae Variant Classification Sherloc (09022015). Collection method: clinical testing. Allele origin: germline.
Comment: This sequence change replaces histidine, which is basic and polar, with arginine, which is basic and polar, at codon 2211 of the CACNA1A protein (p.His2211Arg). This variant is not present in population databases (gnomAD no frequency). This variant has not been reported in the literature in individuals affected with CACNA1A-related conditions. ClinVar contains an entry for this variant (Variation ID: 1053907). Invitae Evidence Modeling of protein sequence and biophysical properties (such as structural, functional, and spatial information, amino acid conservation, physicochemical variation, residue mobility, and thermodynamic stability) indicates that this missense variant is not expected to disrupt CACNA1A protein function with a negative predictive value of 95%. In summary, the available evidence is currently insufficient to determine the role of this variant in disease. Therefore, it has been classified as a Variant of Uncertain Significance.

GeneDx
Classification: Uncertain significance. Last evaluated: 2024-04-29. Review status: criteria provided, single submitter. Criteria: GeneDx Variant Classification Process June 2021. Collection method: clinical testing. Allele origin: germline. Affected: yes.
Comment: Not observed at significant frequency in large population cohorts (gnomAD); In silico analysis indicates that this missense variant does not alter protein structure/function; Has not been previously published as pathogenic or benign to our knowledge